The following is an entry in ClinVar:

ClinVar aggregate classification (germline): Uncertain significance (1 of 4 stars; one submission).

Conditions:
Familial thoracic aortic aneurysm and aortic dissection (TAAD). Also called: Thoracic aortic aneurysms and dissections. Identifiers: Orphanet 91387, MedGen C4707243, MONDO:0019625.

Submission:

Ambry Genetics
Classification: Uncertain significance for Familial thoracic aortic aneurysm and aortic dissection. Last evaluated: 2017-06-13. Review status: criteria provided, single submitter. Criteria: Ambry Variant Classification Scheme 2023. Collection method: clinical testing. Allele origin: germline.
Comment: The c.436_447del12 variant (also known as p.I146_E149del) is located in coding exon 3 of the SMAD3 gene. This variant results from an in-frame ATCCCGGCCGAG deletion at nucleotide positions 436 to 447. This results in the deletion of 4 amino acids between codons 436 to 447. Since supporting evidence is limited at this time, the clinical significance of this alteration remains unclear.

NM_005902.4(SMAD3):c.436_447del (p.Ile146_Glu149del)

Gene: SMAD3 (SMAD family member 3; plus strand). Cytogenetic location: 15q22.33.
Variant type: Deletion.
Coding change: c.436_447del on transcript NM_005902.4 (MANE Select); coding-DNA positions 436 to 447, 12 bases deleted (ATCCCGGCCGAG).
Protein change: p.Ile146_Glu149del.
Molecular consequence: inframe deletion.
Genome position (GRCh38, 1-based): chr15:67,165,288-67,165,299, ATCCCGGCCGAG deleted; deleting any 12 consecutive bases within chr15:67,165,285-67,165,299 gives the same sequence; the c. name uses the placement nearest the transcript's 3' end. VCF-style (leftmost placement, unchanged base first): chr15-67165284-AGAGATCCCGGCC-A. GRCh37 (hg19) VCF-style: chr15-67457622-AGAGATCCCGGCC-A.
Other names: c.121_132del, p.Ile41_Glu44del (NM_001145102.2); c.304_315del, p.Ile102_Glu105del (NM_001145103.2).
Identifiers: ClinVar variation 520184 (VCV000520184.5), dbSNP rs1555412124, ClinGen allele CA658798394.